The following is an entry in ClinVar:

NM_001243177.4(ALDOA):c.1169G>C (p.Ser390Thr)

Genes: ALDOA (aldolase, fructose-bisphosphate A; plus strand), LOC112694756 (uncharaterized LOC112694756; plus strand). Cytogenetic location: 16p11.2.
Variant type: single nucleotide variant.
Coding change: c.1169G>C on transcript NM_001243177.4 (MANE Select); coding-DNA position 1169, G replaced by C.
Protein change: p.Ser390Thr; replaces serine 390 with threonine.
Molecular consequence: missense variant. On other transcripts: 3 prime UTR variant (3).
Genome position (GRCh38, 1-based): chr16:30,070,124, G>C. VCF-style: chr16-30070124-G-C. GRCh37 (hg19) VCF-style: chr16-30081445-G-C.
Other names: c.*1516G>C (NM_001365304.2, NM_001365305.2, NM_001365307.2); c.1007G>C, p.Ser336Thr (NM_001127617.2, NM_184041.5, NM_184043.2); short protein forms S336T, S390T.
Identifiers: ClinVar variation 2800487 (VCV002800487.2), dbSNP rs756734032, ClinGen allele CA8001243.
Genomic context (GRCh38, chr16:30,070,124, plus strand): 5'-GTGGATGGGACTCGGAGAAGAGCCCTTCTCACTCCACCCCTCTCCCTGCTTAGGCCAACA[G>C]CCTTGCCTGTCAAGGAAAGTACACTCCGAGCGGTCAGGCTGGGGCTGCTGCCAGCGAGTC-3'
Protein context (NP_001230106.1, residues 380-400): EEYVKRALAN[Ser390Thr]LACQGKYTPS

ClinVar aggregate classification (germline): Uncertain significance (1 of 4 stars; one submission).

Conditions:
HNSHA due to aldolase A deficiency (GSD12). Also called: GLYCOGEN STORAGE DISEASE XII; GSD XII; RED CELL ALDOLASE DEFICIENCY; Glycogen storage disease due to aldolase A deficiency. Identifiers: Orphanet 57, MedGen C0272066, MONDO:0012747, OMIM 611881.

Allele frequency attached by ClinVar (database versions not stated): ExAC 0.00001.

Submission:

Labcorp Genetics (formerly Invitae), Labcorp
Classification: Uncertain significance for HNSHA due to aldolase A deficiency. Last evaluated: 2025-10-13. Review status: criteria provided, single submitter. Criteria: Invitae Variant Classification Sherloc (09022015). Collection method: clinical testing. Allele origin: germline.
Comment: This sequence change replaces serine, which is neutral and polar, with threonine, which is neutral and polar, at codon 336 of the ALDOA protein (p.Ser336Thr). This variant is present in population databases (rs756734032, gnomAD 0.0009%). This variant has not been reported in the literature in individuals affected with ALDOA-related conditions. ClinVar contains an entry for this variant (Variation ID: 2800487). An algorithm developed to predict the effect of missense changes on protein structure and function (PolyPhen-2) suggests that this variant is likely to be tolerated. In summary, the available evidence is currently insufficient to determine the role of this variant in disease. Therefore, it has been classified as a Variant of Uncertain Significance.